The following is an entry in ClinVar:

ClinVar aggregate classification (germline): Uncertain significance. Review status: criteria provided, multiple submitters, no conflicts (2 of 4 stars). 2 submissions from 2 submitters: Uncertain significance (2). Last evaluated 2025-08-01.

Conditions:
Hereditary cancer-predisposing syndrome. Also called: Tumor predisposition; Neoplastic Syndromes, Hereditary; Hereditary Cancer Syndrome; Hereditary neoplastic syndrome. Identifiers: Orphanet 140162, MedGen C0027672, MeSH D009386, MONDO:0015356.
Familial adenomatous polyposis 1 (FAP1). Also called: FAMILIAL ADENOMATOUS POLYPOSIS 1, ATTENUATED; POLYPOSIS, ADENOMATOUS INTESTINAL. Identifiers: MedGen C2713442, MONDO:0021056, OMIM 175100. Disease mechanism: loss of function.

Allele frequency attached by ClinVar (database versions not stated): gnomAD exomes below 0.00001.
gnomAD v4.1: 1 of 1,613,938 alleles (0.000062%); highest among the groups gnomAD compares: East Asian, 0.0022%; no homozygotes.

Submissions (2):

Ambry Genetics
Classification: Uncertain significance for Hereditary cancer-predisposing syndrome. Last evaluated: 2025-08-01. Review status: criteria provided, single submitter. Criteria: Ambry Variant Classification Scheme 2023. Collection method: clinical testing. Allele origin: germline.
Comment: The p.P1760S variant (also known as c.5278C>T), located in coding exon 15 of the APC gene, results from a C to T substitution at nucleotide position 5278. The proline at codon 1760 is replaced by serine, an amino acid with similar properties. This amino acid position is poorly conserved in available vertebrate species. In addition, in silico predictors for this gene do not accurately predict pathogenicity. Missense alterations in APC are not a common cause of disease (Spier I et al. Genet Med. 2024 Feb;26(2):100992). Based on the available evidence, the clinical significance of this variant remains unclear.

Labcorp Genetics (formerly Invitae), Labcorp
Classification: Uncertain significance for Familial adenomatous polyposis 1. Last evaluated: 2022-04-07. Review status: criteria provided, single submitter. Criteria: Invitae Variant Classification Sherloc (09022015). Collection method: clinical testing. Allele origin: germline.
Comment: This variant is not present in population databases (gnomAD no frequency). In summary, the available evidence is currently insufficient to determine the role of this variant in disease. Therefore, it has been classified as a Variant of Uncertain Significance. Algorithms developed to predict the effect of missense changes on protein structure and function (SIFT, PolyPhen-2, Align-GVGD) all suggest that this variant is likely to be tolerated. This variant has not been reported in the literature in individuals affected with APC-related conditions. This sequence change replaces proline, which is neutral and non-polar, with serine, which is neutral and polar, at codon 1760 of the APC protein (p.Pro1760Ser).

NM_000038.6(APC):c.5278C>T (p.Pro1760Ser)

Gene: APC (APC regulator of Wnt signaling pathway; plus strand). Cytogenetic location: 5q22.2.
Variant type: single nucleotide variant.
Coding change: c.5278C>T on transcript NM_000038.6 (MANE Select); coding-DNA position 5278, C replaced by T.
Protein change: p.Pro1760Ser; replaces proline 1760 with serine.
Molecular consequence: missense variant.
Genome position (GRCh38, 1-based): chr5:112,840,872, C>T. VCF-style: chr5-112840872-C-T. GRCh37 (hg19) VCF-style: chr5-112176569-C-T.
Other names: c.5278C>T, p.Pro1760Ser (NM_001127510.3, NM_001354895.2, NM_001407450.1); c.5224C>T, p.Pro1742Ser (NM_001127511.3); c.5332C>T, p.Pro1778Ser (NM_001354896.2, NM_001407447.1, NM_001407448.1 and 1 more transcripts); c.5308C>T, p.Pro1770Ser (NM_001354897.2); c.5203C>T, p.Pro1735Ser (NM_001354898.2); c.5194C>T, p.Pro1732Ser (NM_001354899.2); c.5155C>T, p.Pro1719Ser (NM_001354900.2); c.5101C>T, p.Pro1701Ser (NM_001354901.2, NM_001407453.1); and 12 more; short protein forms P1600S, P1677S, P1701S, P1735S, P1742S, P1750S, P1760S, P1477S.
Identifiers: ClinVar variation 1900687 (VCV001900687.6), dbSNP rs1765908843, ClinGen allele CA16032868.
Genomic context (GRCh38, chr5:112,840,872, plus strand): 5'-CCTTTCCGTGTGAAAAAGATAATGGACCAGGTCCAGCAAGCATCTGCGTCTTCTTCTGCA[C>T]CCAACAAAAATCAGTTAGATGGTAAGAAAAAGAAACCAACTTCACCAGTAAAACCTATAC-3'
Protein context (NP_000029.2, residues 1750-1770): VQQASASSSA[Pro1760Ser]NKNQLDGKKK